The following is an entry in ClinVar:

ClinVar aggregate classification (germline): Uncertain significance. Review status: criteria provided, multiple submitters, no conflicts (2 of 4 stars). 2 submissions from 2 submitters: Uncertain significance (2). Last evaluated 2024-04-04.

Conditions:
Inborn genetic diseases. Identifiers: MedGen C0950123, MeSH D030342.
Aicardi-Goutieres syndrome 5. Identifiers: Orphanet 51, MedGen C2749659, MONDO:0013059, OMIM 612952.

gnomAD v4.1: 32 of 1,614,078 alleles (0.002%); highest among the groups gnomAD compares: Non-Finnish European, 0.0022%; no homozygotes.

Submissions (2):

Ambry Genetics
Classification: Uncertain significance for Inborn genetic diseases. Last evaluated: 2024-04-04. Review status: criteria provided, single submitter. Criteria: Ambry Variant Classification Scheme 2023. Collection method: clinical testing. Allele origin: germline.

Labcorp Genetics (formerly Invitae), Labcorp
Classification: Uncertain significance for Aicardi-Goutieres syndrome 5. Last evaluated: 2023-09-01. Review status: criteria provided, single submitter. Criteria: Invitae Variant Classification Sherloc (09022015). Collection method: clinical testing. Allele origin: germline.
Comment: This variant is present in population databases (rs769234037, gnomAD 0.005%). In summary, the available evidence is currently insufficient to determine the role of this variant in disease. Therefore, it has been classified as a Variant of Uncertain Significance. Advanced modeling of protein sequence and biophysical properties (such as structural, functional, and spatial information, amino acid conservation, physicochemical variation, residue mobility, and thermodynamic stability) performed at Invitae indicates that this missense variant is not expected to disrupt SAMHD1 protein function. ClinVar contains an entry for this variant (Variation ID: 1472651). This variant has not been reported in the literature in individuals affected with SAMHD1-related conditions. This sequence change replaces valine, which is neutral and non-polar, with glycine, which is neutral and non-polar, at codon 557 of the SAMHD1 protein (p.Val557Gly).

NM_015474.4(SAMHD1):c.1670T>G (p.Val557Gly)

Gene: SAMHD1 (SAM and HD domain containing deoxynucleoside triphosphate triphosphohydrolase 1; minus strand). Cytogenetic location: 20q11.23.
Variant type: single nucleotide variant.
Coding change: c.1670T>G on transcript NM_015474.4 (MANE Select); coding-DNA position 1670, T replaced by G.
Protein change: p.Val557Gly; replaces valine 557 with glycine.
Molecular consequence: missense variant.
Genome position (GRCh38, 1-based): chr20:36,897,898, A>C on the plus strand (T>G on the coding strand, the complement: SAMHD1 is on the minus strand). VCF-style: chr20-36897898-A-C. GRCh37 (hg19) VCF-style: chr20-35526301-A-C.
Other names: c.1565T>G, p.Val522Gly (NM_001363729.2); c.1670T>G, p.Val557Gly (NM_001363733.2); c.1670T>G (NM_015474.3); short protein forms V557G, V522G.
Identifiers: ClinVar variation 1472651 (VCV001472651.5), dbSNP rs769234037, ClinGen allele CA9844444.
Genomic context (GRCh38, chr20:36,897,898, plus strand): 5'-TTTCTGTCTGCACACCACTGAACAAAATATTGTCTTGCGGCATACAAACTCTTTCTGTCC[A>C]CCTTCTTACAATATACTCGAATCAGCTGCTCTGCAAATTTCTCTGGCAGAAGTTGTGAAA-3'
Protein context (NP_056289.2, residues 547-567): EQLIRVYCKK[Val557Gly]DRKSLYAARQ